The following is an entry in ClinVar:

NM_007325.5(GRIA3):c.2327C>T (p.Thr776Met)

Gene: GRIA3 (glutamate ionotropic receptor AMPA type subunit 3; plus strand). Cytogenetic location: Xq25.
Variant type: single nucleotide variant.
Coding change: c.2327C>T on transcript NM_007325.5 (MANE Select); coding-DNA position 2327, C replaced by T.
Protein change: p.Thr776Met; replaces threonine 776 with methionine.
Molecular consequence: missense variant. On other transcripts: intron variant (1).
Genome position (GRCh38, 1-based): chrX:123,480,065, C>T. VCF-style: chrX-123480065-C-T. GRCh37 (hg19) VCF-style: chrX-122613916-C-T.
Other names: c.2440-2734C>T (NM_000828.5); short protein forms T776M.
Identifiers: ClinVar variation 625211 (VCV000625211.7), dbSNP rs780680047, ClinGen allele CA10507174.

ClinVar aggregate classification (germline): Conflicting classifications of pathogenicity. Review status: criteria provided, conflicting classifications (1 of 4 stars). 4 submissions from 3 submitters: Pathogenic (1); Uncertain significance (1). 2 of the submissions do not count toward it. Last evaluated 2026-09-03.

Conditions:
Epileptic encephalopathy. Identifiers: MedGen C0543888, HP:0200134.
Generalized hypotonia. Identifiers: MedGen C1858120, HP:0001290.
Spasticity. Identifiers: MedGen C0026838, HP:0001257.
Focal-onset seizure. Also called: Focal seizures. Identifiers: MedGen C0751495, HP:0007359.
Infantile spasms. Also called: Infantile spasm. Identifiers: MedGen C3887898, HP:0012469.
Dystonic disorder. Also called: Dystonia. Identifiers: MedGen C0013421, MONDO:0003441, HP:0001332.
Severe global developmental delay. Also called: Severe psychomotor retardation. Identifiers: MedGen C1837397, HP:0011344.
Neurodegeneration. Also called: neurodegenerative disorder; Neurodegenerative disease; Neurodegenerative illness. Identifiers: MedGen C0027746, MONDO:0005559, HP:0002180.
Intellectual disability. Also called: Intellectual developmental disorder; Intellectual functioning disability; intellectual disabilities. Identifiers: MedGen C3714756, MeSH D008607, MONDO:0001071, HP:0001249.

Allele frequency attached by ClinVar (database versions not stated): ExAC below 0.00001; gnomAD exomes below 0.00001.
gnomAD v4.1: 3 of 1,134,070 alleles (0.00026%); highest among the groups gnomAD compares: East Asian, 0.003%; no homozygotes.

Submissions (4):

GeneDx
Classification: Uncertain significance. Last evaluated: 2026-09-03. Review status: criteria provided, single submitter. Criteria: GeneDx Variant Classification Process June 2021. Collection method: clinical testing. Allele origin: germline.
Comment: Reported in hemizygous state in relatives with seizures in the published literature, one of whom also had dystonia, hypertonia, neurodegeneration, and developmental delay; however, these individuals also harbored a variant in another gene that could be contributing to the phenotype (PMID: 37541188); Published functional studies suggest a damaging effect on GluA3 receptor activity (PMID: 38038360); In silico analysis suggests that this missense variant does not alter protein structure/function; Not observed at significant frequency in large population cohorts (gnomAD); Reported using an alternate transcript of the gene; This variant is associated with the following publications: (PMID: 32581362, 31316545, 37541188, 38038360)

Raymond Lab, University of Cambridge
Classification: Pathogenic for Intellectual disability. Last evaluated: 2019-02-13. Review status: criteria provided, single submitter. Criteria: ACMG Guidelines, 2015. Collection method: research. Allele origin: unknown. Affected: yes. Observed: 2 variant alleles.

NIHR Bioresource Rare Diseases, University of Cambridge
Classification: Likely pathogenic for Neurodegeneration; Severe global developmental delay; Generalized hypotonia; Dystonic disorder; Spasticity; Focal-onset seizure; Infantile spasms. Review status: no assertion criteria provided. Collection method: research. Allele origin: unknown. Affected: yes. Observed: 1 variant allele. Not counted in ClinVar's aggregate classification.

NIHR Bioresource Rare Diseases, University of Cambridge
Classification: Likely pathogenic for Epileptic encephalopathy. Review status: no assertion criteria provided. Collection method: research. Allele origin: unknown. Affected: yes. Observed: 1 variant allele. Not counted in ClinVar's aggregate classification.

Literature cited by the submitters: PubMed 32581362 (cited by NIHR Bioresource Rare Diseases, University of Cambridge).